The following is an entry in ClinVar:

ClinVar aggregate classification (germline): Uncertain significance (1 of 4 stars; one submission).

Conditions:
Hypertrophic cardiomyopathy. Also called: HYPERTROPHIC MYOCARDIOPATHY. Identifiers: Orphanet 217569, MedGen C0007194, MeSH D002312, MONDO:0005045, HP:0001639.

Submission:

Labcorp Genetics (formerly Invitae), Labcorp
Classification: Uncertain significance for Hypertrophic cardiomyopathy. Last evaluated: 2022-07-19. Review status: criteria provided, single submitter. Criteria: Invitae Variant Classification Sherloc (09022015). Collection method: clinical testing. Allele origin: germline.
Comment: This variant is not present in population databases (gnomAD no frequency). In summary, the available evidence is currently insufficient to determine the role of this variant in disease. Therefore, it has been classified as a Variant of Uncertain Significance. Algorithms developed to predict the effect of missense changes on protein structure and function are either unavailable or do not agree on the potential impact of this missense change (SIFT: "Deleterious"; PolyPhen-2: "Probably Damaging"; Align-GVGD: "Class C0"). ClinVar contains an entry for this variant (Variation ID: 1511300). This missense change has been observed in individual(s) with clinical features of hypertrophic cardiomyopathy (Invitae). This sequence change replaces glutamic acid, which is acidic and polar, with alanine, which is neutral and non-polar, at codon 145 of the TPM1 protein (p.Glu145Ala).

NM_001018005.2(TPM1):c.434A>C (p.Glu145Ala)

Gene: TPM1 (tropomyosin 1; plus strand). Cytogenetic location: 15q22.2.
Variant type: single nucleotide variant.
Coding change: c.434A>C on transcript NM_001018005.2 (MANE Select); coding-DNA position 434, A replaced by C.
Protein change: p.Glu145Ala; replaces glutamic acid 145 with alanine.
Molecular consequence: missense variant.
Genome position (GRCh38, 1-based): chr15:63,059,622, A>C. VCF-style: chr15-63059622-A-C. GRCh37 (hg19) VCF-style: chr15-63351821-A-C.
Other names: c.434A>C, p.Glu145Ala (NM_000366.6, NM_001018004.2, NM_001018006.2 and 6 more transcripts); c.326A>C, p.Glu109Ala (NM_001018008.2, NM_001301289.2, NM_001330344.2 and 5 more transcripts); c.560A>C, p.Glu187Ala (NM_001365778.1); short protein forms E109A, E145A, E187A.
Identifiers: ClinVar variation 1511300 (VCV001511300.8), dbSNP rs2140937995, ClinGen allele CA392722212.